The following is an entry in ClinVar:

ClinVar aggregate classification (germline): Likely benign. Review status: reviewed by expert panel (3 of 4 stars). 3 submissions from 3 submitters: Likely benign (1). 2 of the submissions do not count toward it. Last evaluated 2017-06-29.

Conditions:
Hereditary cancer-predisposing syndrome. Also called: Tumor predisposition; Hereditary neoplastic syndrome; Neoplastic Syndromes, Hereditary; Hereditary Cancer Syndrome. Identifiers: Orphanet 140162, MedGen C0027672, MeSH D009386, MONDO:0015356.
Hereditary breast ovarian cancer syndrome. Also called: Hereditary breast and ovarian cancer syndrome; Hereditary breast and ovarian cancer; Hereditary breast and ovarian cancer syndrome (HBOC); Breast and ovarian cancer; BRCA1- and BRCA2-Associated Hereditary Breast and Ovarian Cancer; Hereditary breast and/or ovarian cancer syndrome. Identifiers: Orphanet 145, MedGen C0677776, MeSH D061325, MONDO:0003582. Disease mechanism: loss of function.
Breast-ovarian cancer, familial, susceptibility to, 2 (BROVCA2). Also called: BRCA2 Hereditary Breast and Ovarian Cancer. Identifiers: Orphanet 145, MedGen C2675520, MONDO:0012933, OMIM 612555. Disease mechanism: loss of function.

gnomAD v4.1: 2 of 1,613,870 alleles (0.00012%); highest among the groups gnomAD compares: Non-Finnish European, 0.00017%; no homozygotes.

Submissions (3):

Evidence-based Network for the Interpretation of Germline Mutant Alleles (ENIGMA)
Classification: Likely benign for Breast-ovarian cancer, familial, susceptibility to, 2. Last evaluated: 2017-06-29. Review status: reviewed by expert panel. Criteria: ENIGMA BRCA1/2 Classification Criteria (2017-06-29). Collection method: curation. Allele origin: germline.
Comment: Synonymous substitution variant, with low bioinformatic likelihood to result in a splicing aberration (Splicing prior probability 0.02).

Labcorp Genetics (formerly Invitae), Labcorp
Classification: Likely benign for Hereditary breast ovarian cancer syndrome. Last evaluated: 2025-07-29. Review status: criteria provided, single submitter. Criteria: Invitae Variant Classification Sherloc (09022015). Collection method: clinical testing. Allele origin: germline. Not counted in ClinVar's aggregate classification.

Ambry Genetics
Classification: Likely benign for Hereditary cancer-predisposing syndrome. Last evaluated: 2020-12-08. Review status: criteria provided, single submitter. Criteria: Ambry Variant Classification Scheme 2023. Collection method: clinical testing. Allele origin: germline. Not counted in ClinVar's aggregate classification.

NM_000059.4(BRCA2):c.3000T>A (p.Ile1000=)

Gene: BRCA2 (BRCA2 DNA repair associated; plus strand). Cytogenetic location: 13q13.1.
Variant type: single nucleotide variant.
Coding change: c.3000T>A on transcript NM_000059.4 (MANE Select); coding-DNA position 3000, T replaced by A.
Protein change: p.Ile1000=; no amino-acid change (isoleucine 1000 retained).
Molecular consequence: synonymous variant.
Genome position (GRCh38, 1-based): chr13:32,337,355, T>A. VCF-style: chr13-32337355-T-A. GRCh37 (hg19) VCF-style: chr13-32911492-T-A.
Identifiers: ClinVar variation 135795 (VCV000135795.8), dbSNP rs587780649, ClinGen allele CA017018.